The following is an entry in ClinVar:

ClinVar aggregate classification (germline): Uncertain significance (1 of 4 stars; one submission).

Submission:

Labcorp Genetics (formerly Invitae), Labcorp
Classification: Uncertain significance. Last evaluated: 2022-03-25. Review status: criteria provided, single submitter. Criteria: Invitae Variant Classification Sherloc (09022015). Collection method: clinical testing. Allele origin: germline.
Comment: This variant is not present in population databases (gnomAD no frequency). In summary, the available evidence is currently insufficient to determine the role of this variant in disease. Therefore, it has been classified as a Variant of Uncertain Significance. Algorithms developed to predict the effect of missense changes on protein structure and function are either unavailable or do not agree on the potential impact of this missense change (SIFT: "Deleterious"; PolyPhen-2: "Benign"; Align-GVGD: "Class C0"). This variant has not been reported in the literature in individuals affected with PLD3-related conditions. This sequence change replaces serine, which is neutral and polar, with leucine, which is neutral and non-polar, at codon 263 of the PLD3 protein (p.Ser263Leu).

NM_012268.4(PLD3):c.788C>T (p.Ser263Leu)

Genes: PLD3 (phospholipase D family member 3; plus strand), LOC121852988 (Sharpr-MPRA regulatory region 12346; plus strand). Cytogenetic location: 19q13.2.
Variant type: single nucleotide variant.
Coding change: c.788C>T on transcript NM_012268.4 (MANE Select); coding-DNA position 788, C replaced by T.
Protein change: p.Ser263Leu; replaces serine 263 with leucine.
Molecular consequence: missense variant.
Genome position (GRCh38, 1-based): chr19:40,371,782, C>T. VCF-style: chr19-40371782-C-T. GRCh37 (hg19) VCF-style: chr19-40877689-C-T.
Other names: c.788C>T, p.Ser263Leu (NM_001031696.4, NM_001291311.2); short protein forms S263L.
Identifiers: ClinVar variation 1914105 (VCV001914105.5), dbSNP rs146874534, ClinGen allele CA308390120.